The following is an entry in ClinVar:

NM_198834.3(ACACA):c.880A>T (p.Thr294Ser)

Gene: ACACA (acetyl-CoA carboxylase alpha; minus strand). Cytogenetic location: 17q12.
Variant type: single nucleotide variant.
Coding change: c.880A>T on transcript NM_198834.3 (MANE Select); coding-DNA position 880, A replaced by T.
Protein change: p.Thr294Ser; replaces threonine 294 with serine.
Molecular consequence: missense variant.
Genome position (GRCh38, 1-based): chr17:37,275,972, T>A on the plus strand (A>T on the coding strand, the complement: ACACA is on the minus strand). VCF-style: chr17-37275972-T-A. GRCh37 (hg19) VCF-style: chr17-35632865-T-A.
Other names: c.769A>T, p.Thr257Ser (NM_198836.3, NM_198839.3); c.595A>T, p.Thr199Ser (NM_198837.2); c.535A>T, p.Thr179Ser (NM_198838.2); short protein forms T257S, T294S, T179S, T199S.
Identifiers: ClinVar variation 3682314 (VCV003682314.2).

ClinVar aggregate classification (germline): Uncertain significance (1 of 4 stars; one submission).

Submission:

Labcorp Genetics (formerly Invitae), Labcorp
Classification: Uncertain significance. Last evaluated: 2024-11-11. Review status: criteria provided, single submitter. Criteria: Invitae Variant Classification Sherloc (09022015). Collection method: clinical testing. Allele origin: germline.
Comment: This sequence change replaces threonine, which is neutral and polar, with serine, which is neutral and polar, at codon 257 of the ACACA protein (p.Thr257Ser). This variant is not present in population databases (gnomAD no frequency). This variant has not been reported in the literature in individuals affected with ACACA-related conditions. An algorithm developed to predict the effect of missense changes on protein structure and function (PolyPhen-2) suggests that this variant is likely to be tolerated. In summary, the available evidence is currently insufficient to determine the role of this variant in disease. Therefore, it has been classified as a Variant of Uncertain Significance.